The following is an entry in ClinVar:

ClinVar aggregate classification (germline): Conflicting classifications of pathogenicity. Review status: criteria provided, conflicting classifications (1 of 4 stars). 2 submissions from 2 submitters: Uncertain significance (1); Likely benign (1). Last evaluated 2024-11-12.

Allele frequency attached by ClinVar (database versions not stated): gnomAD exomes 0.00001.
gnomAD v4.1: 16 of 1,193,664 alleles (0.0013%); highest among the groups gnomAD compares: Middle Eastern, 0.023%; no homozygotes.

Submissions (2):

Mayo Clinic Laboratories, Mayo Clinic
Classification: Likely benign. Last evaluated: 2024-11-12. Review status: criteria provided, single submitter. Criteria: ACMG Guidelines, 2015. Collection method: clinical testing. Allele origin: germline. Observed: 1 variant allele.
Comment: BS2, BP4

GeneDx
Classification: Uncertain significance. Last evaluated: 2019-05-01. Review status: criteria provided, single submitter. Criteria: GeneDx Variant Classification Process June 2021. Collection method: clinical testing. Allele origin: germline. Affected: yes.
Comment: In silico analysis, which includes protein predictors and evolutionary conservation, supports a deleterious effect; Has not been previously published as pathogenic or benign to our knowledge

NM_002024.6(FMR1):c.1055A>G (p.Glu352Gly)

Gene: FMR1 (fragile X messenger ribonucleoprotein 1; plus strand). Cytogenetic location: Xq27.3.
Variant type: single nucleotide variant.
Coding change: c.1055A>G on transcript NM_002024.6 (MANE Select); coding-DNA position 1055, A replaced by G.
Protein change: p.Glu352Gly; replaces glutamic acid 352 with glycine.
Molecular consequence: missense variant. On other transcripts: non-coding transcript variant (2).
Genome position (GRCh38, 1-based): chrX:147,937,530, A>G. VCF-style: chrX-147937530-A-G. GRCh37 (hg19) VCF-style: chrX-147019049-A-G.
Other names: p.Glu352Gly; c.1055A>G, p.Glu352Gly (NM_001185075.2, NM_001185076.2, NM_001185081.2 and 1 more transcripts); c.1055A>G (NM_002024.5); short protein forms E352G.
Identifiers: ClinVar variation 1305423 (VCV001305423.3), dbSNP rs1485492099, ClinGen allele CA414442321.